The following is an entry in ClinVar:

ClinVar aggregate classification (germline): Benign/Likely benign. Review status: criteria provided, multiple submitters, no conflicts (2 of 4 stars). 7 submissions from 7 submitters: Benign (3); Likely benign (2). 2 of the submissions do not count toward it. Last evaluated 2026-08-01.

Allele frequency attached by ClinVar (database versions not stated): 1000 Genomes Project 30x 0.00078; 1000 Genomes Project 0.00120; ESP Exome Variant Server 0.00145; gnomAD exomes 0.00187; gnomAD 0.00199 and 0.00208; TOPMed 0.00229; ExAC 0.00279.
gnomAD v4.1: 3,651 of 1,536,808 alleles (0.24%); highest among the groups gnomAD compares: Admixed American, 0.35%; 3 homozygotes.

Submissions (7):

CeGaT Center for Human Genetics Tuebingen
Classification: Likely benign. Last evaluated: 2026-08-01. Review status: criteria provided, single submitter. Criteria: CeGaT Center For Human Genetics Tuebingen Variant Classification Criteria Version 2. Collection method: clinical testing. Allele origin: germline. Affected: yes. Observed: 9 variant alleles.
Comment: MYT1L: BP4, BS1

Blueprint Genetics
Classification: Likely benign. Last evaluated: 2024-11-19. Review status: criteria provided, single submitter. Criteria: ACMG Guidelines, 2015. Collection method: clinical testing. Allele origin: germline.

Labcorp Genetics (formerly Invitae), Labcorp
Classification: Benign. Last evaluated: 2019-12-31. Review status: criteria provided, single submitter. Criteria: Invitae Variant Classification Sherloc (09022015). Collection method: clinical testing. Allele origin: germline.

GeneDx
Classification: Benign. Last evaluated: 2018-12-10. Review status: criteria provided, single submitter. Criteria: GeneDx Variant Classification Process June 2021. Collection method: clinical testing. Allele origin: germline. Affected: yes.

Breakthrough Genomics
Classification: Benign. Review status: criteria provided, single submitter. Criteria: ACMG Guidelines, 2015. Collection method: not provided. Allele origin: germline. Inheritance: Autosomal dominant inheritance. Affected: yes.

Clinical Genetics DNA and cytogenetics Diagnostics Lab, Erasmus MC, Erasmus Medical Center
Classification: Likely benign. Review status: no assertion criteria provided. Collection method: clinical testing. Allele origin: germline. Affected: yes. Study: VKGL Data-share Consensus. Not counted in ClinVar's aggregate classification.

Laboratory of Diagnostic Genome Analysis, Leiden University Medical Center (LUMC)
Classification: Likely benign. Review status: no assertion criteria provided. Collection method: clinical testing. Allele origin: germline. Affected: yes. Study: VKGL Data-share Consensus. Not counted in ClinVar's aggregate classification.

NM_001303052.2(MYT1L):c.153-7T>A

Gene: MYT1L (myelin transcription factor 1 like; minus strand). Cytogenetic location: 2p25.3.
Variant type: single nucleotide variant.
Coding change: c.153-7T>A on transcript NM_001303052.2 (MANE Select); 7 bases into the intron before coding-DNA position 153, T replaced by A.
Molecular consequence: intron variant.
Genome position (GRCh38, 1-based): chr2:1,943,341, A>T on the plus strand (T>A on the coding strand, the complement: MYT1L is on the minus strand). VCF-style: chr2-1943341-A-T. GRCh37 (hg19) VCF-style: chr2-1947113-A-T.
Other names: c.153-7T>A (NM_015025.4, NM_001329844.2, NM_001329847.2 and 6 more transcripts).
Identifiers: ClinVar variation 783970 (VCV000783970.41), dbSNP rs191453776, ClinGen allele CA1514432.